The following is an entry in ClinVar:

NM_153240.5(NPHP3):c.3706G>A (p.Val1236Ile)

Genes: NPHP3 (nephrocystin 3; minus strand), NPHP3-ACAD11 (NPHP3-ACAD11 readthrough (NMD candidate); minus strand). Cytogenetic location: 3q22.1.
Variant type: single nucleotide variant.
Coding change: c.3706G>A on transcript NM_153240.5 (MANE Select); coding-DNA position 3706, G replaced by A.
Protein change: p.Val1236Ile; replaces valine 1236 with isoleucine.
Molecular consequence: missense variant. On other transcripts: non-coding transcript variant (1).
Genome position (GRCh38, 1-based): chr3:132,682,809, C>T on the plus strand (G>A on the coding strand, the complement: NPHP3 is on the minus strand). VCF-style: chr3-132682809-C-T. GRCh37 (hg19) VCF-style: chr3-132401653-C-T.
Other names: short protein forms V1236I.
Identifiers: ClinVar variation 1053691 (VCV001053691.6), dbSNP rs985289177, ClinGen allele CA83580972.

ClinVar aggregate classification (germline): Uncertain significance (1 of 4 stars; one submission).

Conditions:
Nephronophthisis. Also called: Juvenile Nephronophthisis. Identifiers: Orphanet 655, MedGen C0687120, MONDO:0019005, HP:0000090.

Allele frequency attached by ClinVar (database versions not stated): gnomAD exomes below 0.00001 and 0.00002; gnomAD 0.00001; TOPMed 0.00001.
gnomAD v4.1: 29 of 1,604,592 alleles (0.0018%); highest among the groups gnomAD compares: African/African-American, 0.0027%; no homozygotes.

Submission:

Labcorp Genetics (formerly Invitae), Labcorp
Classification: Uncertain significance for Nephronophthisis. Last evaluated: 2022-08-21. Review status: criteria provided, single submitter. Criteria: Invitae Variant Classification Sherloc (09022015). Collection method: clinical testing. Allele origin: germline.
Comment: This sequence change replaces valine, which is neutral and non-polar, with isoleucine, which is neutral and non-polar, at codon 1236 of the NPHP3 protein (p.Val1236Ile). This variant is present in population databases (no rsID available, gnomAD 0.003%). This variant has not been reported in the literature in individuals affected with NPHP3-related conditions. ClinVar contains an entry for this variant (Variation ID: 1053691). Algorithms developed to predict the effect of missense changes on protein structure and function output the following: SIFT: "Tolerated"; PolyPhen-2: "Benign"; Align-GVGD: "Class C0". The isoleucine amino acid residue is found in multiple mammalian species, which suggests that this missense change does not adversely affect protein function. In summary, the available evidence is currently insufficient to determine the role of this variant in disease. Therefore, it has been classified as a Variant of Uncertain Significance.